The following is an entry in ClinVar:

ClinVar aggregate classification (germline): Benign/Likely benign. Review status: criteria provided, multiple submitters, no conflicts (2 of 4 stars). 12 submissions from 9 submitters: Benign (5); Likely benign (5). 2 of the submissions do not count toward it. Last evaluated 2026-01-26.

Conditions:
Idiopathic Pulmonary Fibrosis. Also called: Idiopathic fibrosing alveolitis, chronic form; idiopathic fibrosing alveolitis. Identifiers: Orphanet 2032, MedGen C1800706, MeSH D054990, MONDO:0800504.
Dyskeratosis congenita, autosomal dominant 2. Identifiers: MedGen C3151443, MONDO:0013521, OMIM 613989.
Melanoma, cutaneous malignant, susceptibility to, 9. Also called: Cutaneous malignant melanoma 9. Identifiers: Orphanet 618, MedGen C3554574, MONDO:0014056, OMIM 615134.
Dyskeratosis congenita. Identifiers: Orphanet 1775, MedGen C0265965, MONDO:0015780.
Pulmonary fibrosis and/or bone marrow failure, Telomere-related, 1. Also called: PULMONARY FIBROSIS AND/OR BONE MARROW FAILURE SYNDROME, TELOMERE-RELATED, 1. Identifiers: Orphanet 88, MedGen C3553617, MONDO:0013878, OMIM 614742.
Acute myeloid leukemia (AML). Also called: Acute myeloid leukemia, adult; AML adult; Acute non-lymphocytic leukemia; Acute granulocytic leukemia; Leukemia, acute myelogenous, somatic; Leukemia, acute myeloid, somatic. Identifiers: Orphanet 519, MedGen C0023467, MeSH D015470, MONDO:0018874, OMIM 601626, HP:0004808. Disease mechanism: Constitutively activated FLT3.
Aplastic anemia. Identifiers: Orphanet 182040, Orphanet 88, MedGen C0002874, MONDO:0015909, OMIM 609135, HP:0001915.

Allele frequency attached by ClinVar (database versions not stated): gnomAD 0.00008 and 0.00025; TOPMed 0.00013; gnomAD exomes 0.00057 and 0.00117; 1000 Genomes Project 0.00100; 1000 Genomes Project 30x 0.00109; ExAC 0.00256.
gnomAD v4.1: 862 of 1,587,594 alleles (0.054%); highest among the groups gnomAD compares: South Asian, 0.84%; 13 homozygotes.

Submissions (12):

Labcorp Genetics (formerly Invitae), Labcorp
Classification: Benign for Dyskeratosis congenita, autosomal dominant 2; Idiopathic Pulmonary Fibrosis. Last evaluated: 2026-01-26. Review status: criteria provided, single submitter. Criteria: Invitae Variant Classification Sherloc (09022015). Collection method: clinical testing. Allele origin: germline.

KCCC/NGS Laboratory, Kuwait Cancer Control Center
Classification: Benign for Melanoma, cutaneous malignant, susceptibility to, 9. Last evaluated: 2025-02-01. Review status: criteria provided, single submitter. Criteria: ACMG Guidelines, 2015. Collection method: clinical testing. Allele origin: germline. Affected: no.

Blueprint Genetics
Classification: Likely benign. Last evaluated: 2024-10-04. Review status: criteria provided, single submitter. Criteria: ACMG Guidelines, 2015. Collection method: clinical testing. Allele origin: germline.

CeGaT Center for Human Genetics Tuebingen
Classification: Likely benign. Last evaluated: 2024-05-01. Review status: criteria provided, single submitter. Criteria: CeGaT Center For Human Genetics Tuebingen Variant Classification Criteria Version 2. Collection method: clinical testing. Allele origin: germline. Affected: yes. Observed: 3 variant alleles.
Comment: TERT: BP4, BP7, BS2

KCCC/NGS Laboratory, Kuwait Cancer Control Center
Classification: Benign for Acute myeloid leukemia. Last evaluated: 2023-07-07. Review status: criteria provided, single submitter. Criteria: ACMG Guidelines, 2015. Collection method: clinical testing. Allele origin: germline. Affected: yes.

Genetic Services Laboratory, University of Chicago
Classification: Benign. Last evaluated: 2018-10-31. Review status: criteria provided, single submitter. Criteria: ACMG Guidelines, 2015. Collection method: clinical testing. Allele origin: germline. Affected: no.

Ambry Genetics
Classification: Likely benign for Dyskeratosis congenita. Last evaluated: 2018-01-22. Review status: criteria provided, single submitter. Criteria: Ambry Variant Classification Scheme 2023. Collection method: clinical testing. Allele origin: germline.

Illumina Laboratory Services, Illumina
Classification: Likely benign for Dyskeratosis congenita, autosomal dominant 2. Last evaluated: 2018-01-13. Review status: criteria provided, single submitter. Criteria: ICSL Variant Classification Criteria 13 December 2019. Collection method: clinical testing. Allele origin: germline.
Comment: This variant was observed in the ICSL laboratory as part of a predisposition screen in an ostensibly healthy population. It had not been previously curated by ICSL or reported in the Human Gene Mutation Database (HGMD: prior to June 1st, 2018), and was therefore a candidate for classification through an automated scoring system. Utilizing variant allele frequency, disease prevalence and penetrance estimates, and inheritance mode, an automated score was calculated to assess if this variant is too frequent to cause the disease. Based on the score and internal cut-off values, a variant classified as likely benign is not then subjected to further curation. The score for this variant resulted in a classification of likely benign for this disease.

Illumina Laboratory Services, Illumina
Classification: Benign for Pulmonary fibrosis and/or bone marrow failure, Telomere-related, 1. Last evaluated: 2018-01-13. Review status: criteria provided, single submitter. Criteria: ICSL Variant Classification Criteria 13 December 2019. Collection method: clinical testing. Allele origin: germline.
Comment: This variant was observed in the ICSL laboratory as part of a predisposition screen in an ostensibly healthy population. It had not been previously curated by ICSL or reported in the Human Gene Mutation Database (HGMD: prior to June 1st, 2018), and was therefore a candidate for classification through an automated scoring system. Utilizing variant allele frequency, disease prevalence and penetrance estimates, and inheritance mode, an automated score was calculated to assess if this variant is too frequent to cause the disease. Based on the score and internal cut-off values, a variant classified as benign is not then subjected to further curation. The score for this variant resulted in a classification of benign for this disease.

Illumina Laboratory Services, Illumina
Classification: Likely benign for Aplastic anemia. Last evaluated: 2018-01-13. Review status: criteria provided, single submitter. Criteria: ICSL Variant Classification Criteria 13 December 2019. Collection method: clinical testing. Allele origin: germline.
Comment: the same text as in the submission from Illumina Laboratory Services, Illumina above.

Clinical Genetics DNA and cytogenetics Diagnostics Lab, Erasmus MC, Erasmus Medical Center
Classification: Likely benign. Review status: no assertion criteria provided. Collection method: clinical testing. Allele origin: germline. Affected: yes. Study: VKGL Data-share Consensus. Not counted in ClinVar's aggregate classification.

Genome Diagnostics Laboratory, University Medical Center Utrecht
Classification: Likely benign. Review status: no assertion criteria provided. Collection method: clinical testing. Allele origin: germline. Affected: yes. Study: VKGL Data-share Consensus. Not counted in ClinVar's aggregate classification.

NM_198253.3(TERT):c.1392C>T (p.Phe464=)

Gene: TERT (telomerase reverse transcriptase; minus strand). Cytogenetic location: 5p15.33.
Variant type: single nucleotide variant.
Coding change: c.1392C>T on transcript NM_198253.3 (MANE Select); coding-DNA position 1392, C replaced by T.
Protein change: p.Phe464=; no amino-acid change (phenylalanine 464 retained).
Molecular consequence: synonymous variant. On other transcripts: non-coding transcript variant (2).
Genome position (GRCh38, 1-based): chr5:1,293,494, G>A on the plus strand (C>T on the coding strand, the complement: TERT is on the minus strand). VCF-style: chr5-1293494-G-A. GRCh37 (hg19) VCF-style: chr5-1293609-G-A.
Other names: c.1392C>T, p.Phe464= (NM_001193376.3).
Identifiers: ClinVar variation 242217 (VCV000242217.59), dbSNP rs186596886, ClinGen allele CA3184849.